The following is an entry in ClinVar:

ClinVar aggregate classification (germline): Uncertain significance. Review status: criteria provided, multiple submitters, no conflicts (2 of 4 stars). 5 submissions from 3 submitters: Uncertain significance (5). Last evaluated 2023-08-10.

Conditions:
Nephronophthisis 3 (NPHP3). Also called: Adolescent nephronophthisis. Identifiers: Orphanet 655, MedGen C1858392, MONDO:0011456, OMIM 604387.
NPHP3-related Meckel-like syndrome. Also called: GOLDSTON SYNDROME; Meckel syndrome type 7. Identifiers: Orphanet 3032, MedGen C2673885, MONDO:0009966, OMIM 267010.
Renal-hepatic-pancreatic dysplasia 1 (RHPD1). Identifiers: MedGen C3715199, MONDO:0008833, OMIM 208540.
Nephronophthisis. Also called: Juvenile Nephronophthisis. Identifiers: Orphanet 655, MedGen C0687120, MONDO:0019005, HP:0000090.

gnomAD v4.1: 32 of 1,614,014 alleles (0.002%); highest among the groups gnomAD compares: South Asian, 0.035%; no homozygotes.

Submissions (5):

Labcorp Genetics (formerly Invitae), Labcorp
Classification: Uncertain significance for Nephronophthisis. Last evaluated: 2023-08-10. Review status: criteria provided, single submitter. Criteria: Invitae Variant Classification Sherloc (09022015). Collection method: clinical testing. Allele origin: germline.
Comment: This variant has not been reported in the literature in individuals affected with NPHP3-related conditions. ClinVar contains an entry for this variant (Variation ID: 846397). Advanced modeling of protein sequence and biophysical properties (such as structural, functional, and spatial information, amino acid conservation, physicochemical variation, residue mobility, and thermodynamic stability) performed at Invitae indicates that this missense variant is not expected to disrupt NPHP3 protein function. In summary, the available evidence is currently insufficient to determine the role of this variant in disease. Therefore, it has been classified as a Variant of Uncertain Significance. This variant is present in population databases (rs373627362, gnomAD 0.03%). This sequence change replaces threonine, which is neutral and polar, with alanine, which is neutral and non-polar, at codon 593 of the NPHP3 protein (p.Thr593Ala).

Fulgent Genetics
Classification: Uncertain significance for Renal-hepatic-pancreatic dysplasia 1; NPHP3-related Meckel-like syndrome; Nephronophthisis 3. Last evaluated: 2021-12-28. Review status: criteria provided, single submitter. Criteria: ACMG Guidelines, 2015. Collection method: clinical testing. Allele origin: unknown.

Illumina Laboratory Services, Illumina
Classification: Uncertain significance for Nephronophthisis 3. Last evaluated: 2017-04-28. Review status: criteria provided, single submitter. Criteria: ICSL Variant Classification Criteria 13 December 2019. Collection method: clinical testing. Allele origin: germline.

Illumina Laboratory Services, Illumina
Classification: Uncertain significance for Renal-hepatic-pancreatic dysplasia 1. Last evaluated: 2017-04-28. Review status: criteria provided, single submitter. Criteria: ICSL Variant Classification Criteria 13 December 2019. Collection method: clinical testing. Allele origin: germline.

Illumina Laboratory Services, Illumina
Classification: Uncertain significance for NPHP3-related Meckel-like syndrome. Last evaluated: 2017-04-28. Review status: criteria provided, single submitter. Criteria: ICSL Variant Classification Criteria 13 December 2019. Collection method: clinical testing. Allele origin: germline.

NM_153240.5(NPHP3):c.1777A>G (p.Thr593Ala)

Genes: NPHP3-ACAD11 (NPHP3-ACAD11 readthrough (NMD candidate); minus strand), NPHP3 (nephrocystin 3; minus strand). Cytogenetic location: 3q22.1.
Variant type: single nucleotide variant.
Coding change: c.1777A>G on transcript NM_153240.5 (MANE Select); coding-DNA position 1777, A replaced by G.
Protein change: p.Thr593Ala; replaces threonine 593 with alanine.
Molecular consequence: missense variant. On other transcripts: non-coding transcript variant (1).
Genome position (GRCh38, 1-based): chr3:132,700,028, T>C on the plus strand (A>G on the coding strand, the complement: NPHP3 is on the minus strand). VCF-style: chr3-132700028-T-C. GRCh37 (hg19) VCF-style: chr3-132418872-T-C.
Other names: short protein forms T593A.
Identifiers: ClinVar variation 846397 (VCV000846397.14), dbSNP rs373627362, ClinGen allele CA2622200.